The following is an entry in ClinVar:

ClinVar aggregate classification (germline): Benign (1 of 4 stars; one submission).

Allele frequency attached by ClinVar (database versions not stated): 1000 Genomes Project 0.17252; gnomAD 0.17271 and 0.17341; 1000 Genomes Project 30x 0.17614; TOPMed 0.18464.
gnomAD v4.1: 26,212 of 151,922 alleles (17%); highest among the groups gnomAD compares: Admixed American, 26%; 2,422 homozygotes.

Submission:

GeneDx
Classification: Benign. Last evaluated: 2018-06-14. Review status: criteria provided, single submitter. Criteria: GeneDx Variant Classification (06012015). Collection method: clinical testing. Allele origin: germline. Affected: yes.
Comment: This variant is considered likely benign or benign based on one or more of the following criteria: it is a conservative change, it occurs at a poorly conserved position in the protein, it is predicted to be benign by multiple in silico algorithms, and/or has population frequency not consistent with disease.

NM_001377.3(DYNC2H1):c.11383-247C>T

Gene: DYNC2H1 (dynein cytoplasmic 2 heavy chain 1; plus strand). Cytogenetic location: 11q22.3.
Variant type: single nucleotide variant.
Coding change: c.11383-247C>T on transcript NM_001377.3 (MANE Select); 247 bases into the intron before coding-DNA position 11383, C replaced by T.
Molecular consequence: intron variant.
Genome position (GRCh38, 1-based): chr11:103,307,474, C>T. VCF-style: chr11-103307474-C-T. GRCh37 (hg19) VCF-style: chr11-103178203-C-T.
Other names: c.11404-247C>T (NM_001080463.2).
Identifiers: ClinVar variation 667757 (VCV000667757.1), dbSNP rs7117901, ClinGen allele CA227427372.
Genomic context (GRCh38, chr11:103,307,474, plus strand): 5'-GTGATAGGTGCTATTATTATCCTTGTTTAGAGATGGAATAAGTCAAAGAGACCAAGGTCA[C>T]ATAGCAGATTAGTGGCAAAGTATGAATTTCAACCCAGTCAACATGACTTTAGATGGAGAT-3'